The following is an entry in ClinVar:

ClinVar aggregate classification (germline): Uncertain significance (1 of 4 stars; one submission).

Conditions:
Hereditary cancer-predisposing syndrome. Also called: Neoplastic Syndromes, Hereditary; Tumor predisposition; Hereditary Cancer Syndrome; Hereditary neoplastic syndrome. Identifiers: Orphanet 140162, MedGen C0027672, MeSH D009386, MONDO:0015356.

Allele frequency attached by ClinVar (database versions not stated): gnomAD exomes below 0.00001.
gnomAD v4.1: 2 of 1,613,728 alleles (0.00012%); highest among the groups gnomAD compares: Non-Finnish European, 0.00017%; no homozygotes.

Submission:

Color Diagnostics, LLC DBA Color Health
Classification: Uncertain significance for Hereditary cancer-predisposing syndrome. Last evaluated: 2023-12-04. Review status: criteria provided, single submitter. Criteria: ACMG Guidelines, 2015. Collection method: clinical testing. Allele origin: germline.
Comment: This missense variant replaces glycine with valine at codon 85 of the RAD51D protein. Computational prediction suggests that this variant may have deleterious impact on protein structure and function (internally defined REVEL score threshold >= 0.7, PMID: 27666373). To our knowledge, functional studies have not been reported for this variant. This variant has not been reported in individuals affected with RAD51D-related disorders in the literature. This variant has not been identified in the general population by the Genome Aggregation Database (gnomAD). The available evidence is insufficient to determine the role of this variant in disease conclusively. Therefore, this variant is classified as a Variant of Uncertain Significance.

NM_002878.4(RAD51D):c.254G>T (p.Gly85Val)

Genes: RAD51D (RAD51 paralog D; minus strand), RAD51L3-RFFL (RAD51L3-RFFL readthrough; minus strand). Cytogenetic location: 17q12.
Variant type: single nucleotide variant.
Coding change: c.254G>T on transcript NM_002878.4 (MANE Select); coding-DNA position 254, G replaced by T.
Protein change: p.Gly85Val; replaces glycine 85 with valine.
Molecular consequence: missense variant. On other transcripts: intron variant (2).
Genome position (GRCh38, 1-based): chr17:35,118,510, C>A on the plus strand (G>T on the coding strand, the complement: RAD51D is on the minus strand). VCF-style: chr17-35118510-C-A. GRCh37 (hg19) VCF-style: chr17-33445529-C-A.
Other names: c.144+601G>T (NM_133629.3, NM_001142571.2); short protein forms G85V.
Identifiers: ClinVar variation 924754 (VCV000924754.4), dbSNP rs2091775772, ClinGen allele CA399091189.
Genomic context (GRCh38, chr17:35,118,510, plus strand): 5'-GAGGCCCCATCCTCCTGCCTCTCTCCTTCTTCCCCAAGTACACACACAAACCTGCCAATG[C>A]CAGTGGACAGGATGGCAGTGGAGGTCTTCAGTTCCTCGTAGAGATCAGCGCCATTCACGG-3'
Protein context (NP_002869.3, residues 75-95): LKTSTAILST[Gly85Val]IGSLDKLLDA